The following is an entry in ClinVar:

NM_002291.3(LAMB1):c.2357_2380del (p.Asp786_Cys794delinsGly)

Gene: LAMB1 (laminin subunit beta 1; minus strand). Cytogenetic location: 7q31.1.
Variant type: Deletion.
Coding change: c.2357_2380del on transcript NM_002291.3 (MANE Select); coding-DNA positions 2357 to 2380, 24 bases deleted (ATCCCAACGGAGGCCAGTGCCAGT).
Protein change: p.Asp786_Cys794delinsGly.
Molecular consequence: inframe indel.
Genome position (GRCh38, 1-based): chr7:107,959,769-107,959,792, ACTGGCACTGGCCTCCGTTGGGAT deleted on the plus strand (ATCCCAACGGAGGCCAGTGCCAGT on the coding strand, the reverse complement: LAMB1 is on the minus strand). VCF-style (leftmost placement, unchanged base first): chr7-107959768-CACTGGCACTGGCCTCCGTTGGGAT-C. GRCh37 (hg19) VCF-style: chr7-107600213-CACTGGCACTGGCCTCCGTTGGGAT-C.
Identifiers: ClinVar variation 4778789 (VCV004778789.1).
Genomic context (GRCh38, chr7:107,959,768, plus strand): 5'-CCAAAGCCAAAAGTTCCAGGTGCACATCTGTTGCAGGTTCTTCCAACCACGTTGGGCCGG[CACTGGCACTGGCCTCCGTTGGGAT>C]CACACACGGAACTTAACGAACCCTGAGGGTCGCATTCACAAGCTGTGGGTAAAGAGAGGC-3'

ClinVar aggregate classification (germline): Uncertain significance (1 of 4 stars; one submission).

Submission:

Labcorp Genetics (formerly Invitae), Labcorp
Classification: Uncertain significance. Last evaluated: 2025-07-20. Review status: criteria provided, single submitter. Criteria: Invitae Variant Classification Sherloc (09022015). Collection method: clinical testing. Allele origin: germline.
Comment: This variant, c.2357_2380del, is a complex sequence change that results in the deletion of 9 and insertion of 1 amino acid(s) in the LAMB1 protein (p.Asp786_Cys794delinsGly). This variant is not present in population databases (gnomAD no frequency). This variant has not been reported in the literature in individuals affected with LAMB1-related conditions. Experimental studies and prediction algorithms are not available or were not evaluated, and the functional significance of this variant is currently unknown. In summary, the available evidence is currently insufficient to determine the role of this variant in disease. Therefore, it has been classified as a Variant of Uncertain Significance.